The following is an entry in ClinVar:

ClinVar aggregate classification (germline): Uncertain significance (1 of 4 stars; one submission).

Conditions:
Familial focal epilepsy with variable foci (FPEVF). Identifiers: Orphanet 98820, MedGen C1858477, MONDO:0020310.

Submission:

Labcorp Genetics (formerly Invitae), Labcorp
Classification: Uncertain significance for Familial focal epilepsy with variable foci. Last evaluated: 2024-09-06. Review status: criteria provided, single submitter. Criteria: Invitae Variant Classification Sherloc (09022015). Collection method: clinical testing. Allele origin: germline.
Comment: This sequence change replaces serine, which is neutral and polar, with phenylalanine, which is neutral and non-polar, at codon 1067 of the DEPDC5 protein (p.Ser1067Phe). This variant is not present in population databases (gnomAD no frequency). This variant has not been reported in the literature in individuals affected with DEPDC5-related conditions. Experimental studies and prediction algorithms are not available or were not evaluated, and the functional significance of this variant is currently unknown. In summary, the available evidence is currently insufficient to determine the role of this variant in disease. Therefore, it has been classified as a Variant of Uncertain Significance.

NM_001242896.3(DEPDC5):c.3200C>T (p.Ser1067Phe)

Gene: DEPDC5 (DEP domain containing 5, GATOR1 subcomplex subunit; plus strand). Cytogenetic location: 22q12.3.
Variant type: single nucleotide variant.
Coding change: c.3200C>T on transcript NM_001242896.3 (MANE Select); coding-DNA position 3200, C replaced by T.
Protein change: p.Ser1067Phe; replaces serine 1067 with phenylalanine.
Molecular consequence: missense variant. On other transcripts: non-coding transcript variant (5).
Genome position (GRCh38, 1-based): chr22:31,857,489, C>T. VCF-style: chr22-31857489-C-T. GRCh37 (hg19) VCF-style: chr22-32253475-C-T.
Other names: c.3173C>T, p.Ser1058Phe (NM_001136029.4, NM_001369903.1, NM_014662.6); c.2966C>T, p.Ser989Phe (NM_001242897.2, NM_001363854.2, NM_001364319.2); c.3200C>T, p.Ser1067Phe (NM_001363852.2, NM_001364318.2, NM_001364320.2); c.3116C>T, p.Ser1039Phe (NM_001369901.1, NM_001369902.1); short protein forms S1039F, S989F, S1058F, S1067F.
Identifiers: ClinVar variation 3680650 (VCV003680650.2).